The following is an entry in ClinVar:

ClinVar aggregate classification (germline): Conflicting classifications of pathogenicity. Review status: criteria provided, conflicting classifications (1 of 4 stars). 3 submissions from 3 submitters: Uncertain significance (1); Likely benign (2). Last evaluated 2026-03-01.

Allele frequency attached by ClinVar (database versions not stated): ExAC 0.00002; ESP Exome Variant Server 0.00008; TOPMed 0.00008; gnomAD 0.00011; gnomAD exomes 0.00016.
gnomAD v4.1: 254 of 1,613,386 alleles (0.016%); highest among the groups gnomAD compares: Non-Finnish European, 0.02%; no homozygotes.

Submissions (3):

CeGaT Center for Human Genetics Tuebingen
Classification: Uncertain significance. Last evaluated: 2026-03-01. Review status: criteria provided, single submitter. Criteria: CeGaT Center For Human Genetics Tuebingen Variant Classification Criteria Version 2. Collection method: clinical testing. Allele origin: germline. Affected: yes. Observed: 1 variant allele.
Comment: VPS13D: PM2, BP4

Labcorp Genetics (formerly Invitae), Labcorp
Classification: Likely benign. Last evaluated: 2025-10-29. Review status: criteria provided, single submitter. Criteria: Invitae Variant Classification Sherloc (09022015). Collection method: clinical testing. Allele origin: germline.

Blueprint Genetics
Classification: Likely benign. Last evaluated: 2024-06-27. Review status: criteria provided, single submitter. Criteria: ACMG Guidelines, 2015. Collection method: clinical testing. Allele origin: germline.

NM_015378.4(VPS13D):c.11635-4G>A

Gene: VPS13D (vacuolar protein sorting 13 homolog D; plus strand). Cytogenetic location: 1p36.22.
Variant type: single nucleotide variant.
Coding change: c.11635-4G>A on transcript NM_015378.4 (MANE Select); 4 bases into the intron before coding-DNA position 11635, G replaced by A.
Molecular consequence: intron variant.
Genome position (GRCh38, 1-based): chr1:12,400,177, G>A. VCF-style: chr1-12400177-G-A. GRCh37 (hg19) VCF-style: chr1-12460234-G-A.
Other names: c.11560-4G>A (NM_018156.4).
Identifiers: ClinVar variation 2063919 (VCV002063919.9), dbSNP rs369670580, ClinGen allele CA604001.